The following is an entry in ClinVar:

ClinVar aggregate classification (germline): Uncertain significance (1 of 4 stars; one submission).

Submission:

Labcorp Genetics (formerly Invitae), Labcorp
Classification: Uncertain significance. Last evaluated: 2024-09-05. Review status: criteria provided, single submitter. Criteria: Invitae Variant Classification Sherloc (09022015). Collection method: clinical testing. Allele origin: germline.
Comment: This sequence change replaces leucine, which is neutral and non-polar, with valine, which is neutral and non-polar, at codon 271 of the NTRK2 protein (p.Leu271Val). This variant is not present in population databases (gnomAD no frequency). This variant has not been reported in the literature in individuals affected with NTRK2-related conditions. Invitae Evidence Modeling of protein sequence and biophysical properties (such as structural, functional, and spatial information, amino acid conservation, physicochemical variation, residue mobility, and thermodynamic stability) indicates that this missense variant is not expected to disrupt NTRK2 protein function with a negative predictive value of 80%. In summary, the available evidence is currently insufficient to determine the role of this variant in disease. Therefore, it has been classified as a Variant of Uncertain Significance.

NM_006180.6(NTRK2):c.811C>G (p.Leu271Val)

Gene: NTRK2 (neurotrophic receptor tyrosine kinase 2; plus strand). Cytogenetic location: 9q21.33.
Variant type: single nucleotide variant.
Coding change: c.811C>G on transcript NM_006180.6 (MANE Select); coding-DNA position 811, C replaced by G.
Protein change: p.Leu271Val; replaces leucine 271 with valine.
Molecular consequence: missense variant.
Genome position (GRCh38, 1-based): chr9:84,724,314, C>G. VCF-style: chr9-84724314-C-G. GRCh37 (hg19) VCF-style: chr9-87339229-C-G.
Other names: c.811C>G, p.Leu271Val (NM_001007097.3, NM_001018064.3, NM_001018065.2 and 19 more transcripts); c.343C>G, p.Leu115Val (NM_001369550.1, NM_001369551.1, NM_001369552.1 and 2 more transcripts); short protein forms L271V, L115V.
Identifiers: ClinVar variation 2822093 (VCV002822093.3), dbSNP rs2132033185, ClinGen allele CA374007610.